The following is an entry in ClinVar:

ClinVar aggregate classification (germline): Uncertain significance (0 of 4 stars; one submission).

Conditions:
SEMA3F-related disorder. Also called: SEMA3F-related condition.

gnomAD v4.1: 9 of 1,613,864 alleles (0.00056%); highest among the groups gnomAD compares: African/African-American, 0.0027%; no homozygotes.

Submission:

PreventionGenetics, part of Exact Sciences
Classification: Uncertain significance for SEMA3F-related condition. Last evaluated: 2024-05-02. Review status: no assertion criteria provided. Collection method: clinical testing. Allele origin: germline.
Comment: The SEMA3F c.1093G>A variant is predicted to result in the amino acid substitution p.Val365Met. To our knowledge, this variant has not been reported in the literature. This variant is reported in 0.0062% of alleles in individuals of African descent in gnomAD. At this time, the clinical significance of this variant is uncertain due to the absence of conclusive functional and genetic evidence.

NM_004186.5(SEMA3F):c.1093G>A (p.Val365Met)

Gene: SEMA3F (semaphorin 3F; plus strand). Cytogenetic location: 3p21.31.
Variant type: single nucleotide variant.
Coding change: c.1093G>A on transcript NM_004186.5 (MANE Select); coding-DNA position 1093, G replaced by A.
Protein change: p.Val365Met; replaces valine 365 with methionine.
Molecular consequence: missense variant.
Genome position (GRCh38, 1-based): chr3:50,183,424, G>A. VCF-style: chr3-50183424-G-A. GRCh37 (hg19) VCF-style: chr3-50220857-G-A.
Other names: c.796G>A, p.Val266Met (NM_001318798.2); c.1000G>A, p.Val334Met (NM_001318800.2); short protein forms V266M, V334M, V365M.
Identifiers: ClinVar variation 3353381 (VCV003353381.1).